The following is an entry in ClinVar:

NM_000548.5(TSC2):c.481+12C>T

Gene: TSC2 (TSC complex subunit 2; plus strand). Cytogenetic location: 16p13.3.
Variant type: single nucleotide variant.
Coding change: c.481+12C>T on transcript NM_000548.5 (MANE Select); 12 bases into the intron after coding-DNA position 481, C replaced by T.
Molecular consequence: intron variant.
Genome position (GRCh38, 1-based): chr16:2,054,452, C>T. VCF-style: chr16-2054452-C-T. GRCh37 (hg19) VCF-style: chr16-2104453-C-T.
Other names: c.481+12C>T (NM_001114382.3, NM_021055.3, NM_001370405.1 and 3 more transcripts); c.370+12C>T (NM_001318827.2); c.-1-1744C>T (NM_001318831.2); c.334+12C>T (NM_001318829.2); c.514+12C>T (NM_001318832.2).
Identifiers: ClinVar variation 516772 (VCV000516772.11), dbSNP rs777645015, ClinGen allele CA052495.
Genomic context (GRCh38, chr16:2,054,452, plus strand): 5'-GCCCTCACAGACAATGGGAGACACATCACCTACTTGGAGGAAGAGCTGGGTGGGTGCCAC[C>T]TTGGGTTGGAGGTTTCTCTGGCCTTGACGATCAAGTGTAACCTGGATGGGAAGGACCTGG-3'

ClinVar aggregate classification (germline): Likely benign. Review status: criteria provided, multiple submitters, no conflicts (2 of 4 stars). 4 submissions from 4 submitters: Likely benign (4). Last evaluated 2026-02-27.

Conditions:
Lymphangiomyomatosis (LAM). Also called: Lymphangioleiomyomatosis, somatic; Lymphangioleiomyomatosis. Identifiers: Orphanet 538, MedGen C0751674, MONDO:0011705, OMIM 606690.
Isolated focal cortical dysplasia type II (FCORD2). Also called: CORTICAL DYSPLASIA OF TAYLOR; Focal cortical dysplasia type II. Identifiers: Orphanet 268994, MedGen C1846385, MONDO:0011818, OMIM 607341, HP:0032051.
Tuberous sclerosis 2 (TSC2). Identifiers: Orphanet 805, MedGen C1860707, MONDO:0013199, OMIM 613254.

Allele frequency attached by ClinVar (database versions not stated): ExAC 0.00002; gnomAD exomes 0.00002; gnomAD 0.00008 and 0.00009; TOPMed 0.00010.
gnomAD v4.1: 23 of 1,613,984 alleles (0.0014%); highest among the groups gnomAD compares: African/African-American, 0.025%; no homozygotes.

Submissions (4):

Women's Health and Genetics/Laboratory Corporation of America, LabCorp
Classification: Likely benign. Last evaluated: 2026-02-27. Review status: criteria provided, single submitter. Criteria: LabCorp Variant Classification Summary - May 2015. Collection method: clinical testing. Allele origin: germline.

Labcorp Genetics (formerly Invitae), Labcorp
Classification: Likely benign for Tuberous sclerosis 2. Last evaluated: 2026-01-16. Review status: criteria provided, single submitter. Criteria: Invitae Variant Classification Sherloc (09022015). Collection method: clinical testing. Allele origin: germline.

Fulgent Genetics
Classification: Likely benign for Lymphangiomyomatosis; Isolated focal cortical dysplasia type II; Tuberous sclerosis 2. Last evaluated: 2021-11-20. Review status: criteria provided, single submitter. Criteria: ACMG Guidelines, 2015. Collection method: clinical testing. Allele origin: unknown.

GeneDx
Classification: Likely benign. Last evaluated: 2017-08-17. Review status: criteria provided, single submitter. Criteria: GeneDx Variant Classification (06012015). Collection method: clinical testing. Allele origin: germline. Affected: yes.
Comment: This variant is considered likely benign or benign based on one or more of the following criteria: it is a conservative change, it occurs at a poorly conserved position in the protein, it is predicted to be benign by multiple in silico algorithms, and/or has population frequency not consistent with disease.